The following is an entry in ClinVar:

ClinVar aggregate classification (germline): Likely benign. Review status: criteria provided, multiple submitters, no conflicts (2 of 4 stars). 2 submissions from 2 submitters: Likely benign (2). Last evaluated 2025-12-08.

Conditions:
Autosomal recessive limb-girdle muscular dystrophy type 2Q (LGMDR17). Also called: MUSCULAR DYSTROPHY, LIMB-GIRDLE, AUTOSOMAL RECESSIVE 17. Identifiers: Orphanet 254361, MedGen C3150989, MONDO:0013390, OMIM 613723.
Epidermolysis bullosa simplex 5C, with pyloric atresia (EBS5C). Also called: Epidermolysis bullosa simplex with pyloric atresia; PLEC-Related Epidermolysis Bullosa with Pyloric Atresia; PLEC1-Related Epidermolysis Bullosa with Pyloric Atresia. Identifiers: Orphanet 158684, MedGen C2677349, MONDO:0012807, OMIM 612138.
Epidermolysis bullosa simplex 5B, with muscular dystrophy (EBS5B). Also called: EPIDERMOLYSIS BULLOSA SIMPLEX AND LIMB-GIRDLE MUSCULAR DYSTROPHY; Epidermolysis bullosa simplex with muscular dystrophy. Identifiers: Orphanet 257, MedGen C2931072, MONDO:0009181, OMIM 226670.
Epidermolysis bullosa simplex with nail dystrophy (EBS5D). Identifiers: MedGen C4225309, MONDO:0014661, OMIM 616487.
Epidermolysis bullosa simplex, Ogna type (EBS5A). Also called: Pidermolysis bullosa simplex 5A, Ogna type; EPIDERMOLYSIS BULLOSA SIMPLEX 5A, OGNA TYPE. Identifiers: Orphanet 79401, MedGen C0432317, MONDO:0007555, OMIM 131950.

Allele frequency attached by ClinVar (database versions not stated): TOPMed 0.00006; gnomAD 0.00013.
gnomAD v4.1: 106 of 1,611,120 alleles (0.0066%); highest among the groups gnomAD compares: Admixed American, 0.077%; no homozygotes.

Submissions (2):

Labcorp Genetics (formerly Invitae), Labcorp
Classification: Likely benign for Autosomal recessive limb-girdle muscular dystrophy type 2Q; Epidermolysis bullosa simplex, Ogna type; Epidermolysis bullosa simplex with nail dystrophy; Epidermolysis bullosa simplex 5C, with pyloric atresia; Epidermolysis bullosa simplex 5B, with muscular dystrophy. Last evaluated: 2025-12-08. Review status: criteria provided, single submitter. Criteria: Invitae Variant Classification Sherloc (09022015). Collection method: clinical testing. Allele origin: germline.

GeneDx
Classification: Likely benign. Last evaluated: 2017-12-01. Review status: criteria provided, single submitter. Criteria: GeneDx Variant Classification (06012015). Collection method: clinical testing. Allele origin: germline. Affected: yes.
Comment: This variant is considered likely benign or benign based on one or more of the following criteria: it is a conservative change, it occurs at a poorly conserved position in the protein, it is predicted to be benign by multiple in silico algorithms, and/or has population frequency not consistent with disease.

NM_201384.3(PLEC):c.3840+14G>A

Gene: PLEC (plectin; minus strand). Cytogenetic location: 8q24.3.
Variant type: single nucleotide variant.
Coding change: c.3840+14G>A on transcript NM_201384.3 (MANE Select); 14 bases into the intron after coding-DNA position 3840, G replaced by A.
Molecular consequence: intron variant.
Genome position (GRCh38, 1-based): chr8:143,927,238, C>T on the plus strand (G>A on the coding strand, the complement: PLEC is on the minus strand). VCF-style: chr8-143927238-C-T. GRCh37 (hg19) VCF-style: chr8-145001406-C-T.
Other names: c.3921+14G>A (NM_000445.5); c.3798+14G>A (NM_201378.4); c.3774+14G>A (NM_201379.3); c.4251+14G>A (NM_201380.4); c.3744+14G>A (NM_201381.3); c.3840+14G>A (NM_201382.4); c.3852+14G>A (NM_201383.3).
Identifiers: ClinVar variation 513794 (VCV000513794.9), dbSNP rs200230391, ClinGen allele CA4926907.